The following is an entry in ClinVar:

ClinVar aggregate classification (germline): Likely pathogenic (1 of 4 stars; one submission).

Conditions:
Purine-nucleoside phosphorylase deficiency. Also called: NUCLEOSIDE PHOSPHORYLASE DEFICIENCY; Immunodeficiency due to purine nucleoside phosphorylase deficiency. Identifiers: Orphanet 760, MedGen C0268125, MONDO:0013171, OMIM 613179.

Submission:

Diagnostics Services (NGS), CSIR - Centre For Cellular And Molecular Biology
Classification: Likely pathogenic for Purine-nucleoside phosphorylase deficiency. Last evaluated: 2024-09-03. Review status: criteria provided, single submitter. Criteria: ACMG Guidelines, 2015. Collection method: clinical testing. Allele origin: unknown. Affected: no. Observed: 2 variant alleles, 1 heterozygote.
Comment: The c.41_44dup variant is not present in publicly available population databases like 1000 Genomes, EVS, ExAC, gnomAD, Indian Exome Database or our in-house exome database. This variant has neither been published in individuals affected with PNP-related conditions nor reported to the clinical databases like Human Genome Mutation Database (HGMD), ClinVar or OMIM, in any affected individuals. In-silico pathogenicity prediction programs like MutationTaster2, CADD, Varsome, Franklin etc predicted this variant to be likely deleterious. This variant causes frameshift at the 15th amino acid position of the wild-type transcript which creates a premature translational stop signal at the altered transcript that may either result in translation of a truncated protein or cause nonsense mediated decay of the mRNA. This variant has been identified in a couple, as a part of carrier screening.

NM_000270.4(PNP):c.41_44dup (p.Glu15fs)

Gene: PNP (purine nucleoside phosphorylase; plus strand). Cytogenetic location: 14q11.2.
Variant type: Duplication.
Coding change: c.41_44dup on transcript NM_000270.4 (MANE Select); coding-DNA positions 41 to 44, 4 bases duplicated (CAGA; older notation c.41_44dupCAGA).
Protein change: p.Glu15fs; shifts the reading frame from glutamic acid 15.
Molecular consequence: frameshift variant.
Genome position (GRCh38, 1-based): chr14:20,472,337-20,472,340, CAGA duplicated. VCF-style (leftmost placement, unchanged base first): chr14-20472336-G-GCAGA. GRCh37 (hg19) VCF-style: chr14-20940495-G-GCAGA.
Other names: short protein forms E15fs.
Identifiers: ClinVar variation 3340502 (VCV003340502.1).